The following is an entry in ClinVar:

ClinVar aggregate classification (germline): Uncertain significance (1 of 4 stars; one submission).

Conditions:
Dilated cardiomyopathy 1W (CMD1W). Identifiers: Orphanet 154, MedGen C1969639, MONDO:0012667, OMIM 611407.

Submission:

Labcorp Genetics (formerly Invitae), Labcorp
Classification: Uncertain significance for Dilated cardiomyopathy 1W. Last evaluated: 2022-02-12. Review status: criteria provided, single submitter. Criteria: Invitae Variant Classification Sherloc (09022015). Collection method: clinical testing. Allele origin: germline.
Comment: In summary, the available evidence is currently insufficient to determine the role of this variant in disease. Therefore, it has been classified as a Variant of Uncertain Significance. This variant has not been reported in the literature in individuals affected with VCL-related conditions. This variant is a gross deletion of the genomic region encompassing exon(s) 7-8 of the VCL gene. This deletion is out-of-frame, and is expected to create a premature translational stop signal and result in an absent or disrupted protein product. However, the current clinical and genetic evidence is not sufficient to establish whether loss-of-function variants in VCL cause disease.

NC_000010.10:g.(?_75842192)_(75843291_?)del

Gene: VCL (vinculin; plus strand). Cytogenetic location: 10q22.2.
Variant type: Deletion.
Identifiers: ClinVar variation 2425876 (VCV002425876.4).